The following is an entry in ClinVar:

NM_003482.4(KMT2D):c.9391_9393del (p.Pro3131del)

Gene: KMT2D (lysine methyltransferase 2D; minus strand). Cytogenetic location: 12q13.12.
Variant type: Deletion.
Coding change: c.9391_9393del on transcript NM_003482.4 (MANE Select); coding-DNA positions 9391 to 9393, 3 bases deleted (CCT; older notation c.9391_9393delCCT).
Protein change: p.Pro3131del; deletes proline 3131.
Molecular consequence: inframe deletion.
Genome position (GRCh38, 1-based): chr12:49,037,963-49,037,965, AGG deleted on the plus strand (CCT on the coding strand, the reverse complement: KMT2D is on the minus strand); deleting any 3 consecutive bases within chr12:49,037,963-49,037,967 gives the same sequence; the c. name uses the placement nearest the transcript's 3' end. VCF-style (leftmost placement, unchanged base first): chr12-49037962-AAGG-A. GRCh37 (hg19) VCF-style: chr12-49431745-AAGG-A.
Other names: short protein forms P3131del.
Identifiers: ClinVar variation 3005253 (VCV003005253.3), dbSNP rs748239185, ClinGen allele CA6546700.

ClinVar aggregate classification (germline): Uncertain significance (1 of 4 stars; one submission).

Conditions:
Kabuki syndrome. Also called: NIIKAWA-KUROKI SYNDROME; Kabuki make-up syndrome. Identifiers: Orphanet 2322, MedGen C0796004, MONDO:0016512.

Submission:

Labcorp Genetics (formerly Invitae), Labcorp
Classification: Uncertain significance for Kabuki syndrome. Last evaluated: 2025-03-30. Review status: criteria provided, single submitter. Criteria: Invitae Variant Classification Sherloc (09022015). Collection method: clinical testing. Allele origin: germline.
Comment: This variant, c.9391_9393del, results in the deletion of 1 amino acid(s) of the KMT2D protein (p.Pro3131del), but otherwise preserves the integrity of the reading frame. This variant is present in population databases (rs748239185, gnomAD 0.01%). This variant has not been reported in the literature in individuals affected with KMT2D-related conditions. ClinVar contains an entry for this variant (Variation ID: 3005253). Experimental studies and prediction algorithms are not available or were not evaluated, and the functional significance of this variant is currently unknown. In summary, the available evidence is currently insufficient to determine the role of this variant in disease. Therefore, it has been classified as a Variant of Uncertain Significance.